The following is an entry in ClinVar:

NM_019066.5(MAGEL2):c.539_568dup (p.Met189_Ala190insValHisProProProProGlyThrProMet)

Gene: MAGEL2 (MAGE family member L2; minus strand). Cytogenetic location: 15q11.2.
Variant type: Duplication.
Coding change: c.539_568dup on transcript NM_019066.5 (MANE Select); coding-DNA positions 539 to 568, 30 bases duplicated (TGCATCCTCCTCCTCCGGGGACCCCGATGG).
Protein change: p.Met189_Ala190insValHisProProProProGlyThrProMet.
Molecular consequence: inframe insertion.
Genome position (GRCh38, 1-based): chr15:23,647,175-23,647,204, CCATCGGGGTCCCCGGAGGAGGAGGATGCA duplicated on the plus strand (TGCATCCTCCTCCTCCGGGGACCCCGATGG on the coding strand, the reverse complement: MAGEL2 is on the minus strand); duplicating any 30 consecutive bases within chr15:23,647,175-23,647,232 gives the same sequence; the c. name uses the placement nearest the transcript's 3' end. VCF-style (leftmost placement, unchanged base first): chr15-23647174-G-GCCATCGGGGTCCCCGGAGGAGGAGGATGCA. GRCh37 (hg19) VCF-style: chr15-23892321-G-GCCATCGGGGTCCCCGGAGGAGGAGGATGCA.
Identifiers: ClinVar variation 1939106 (VCV001939106.5), dbSNP rs779748148, ClinGen allele CA2580089131.

ClinVar aggregate classification (germline): Uncertain significance (1 of 4 stars; one submission).

Submission:

Labcorp Genetics (formerly Invitae), Labcorp
Classification: Uncertain significance. Last evaluated: 2022-11-01. Review status: criteria provided, single submitter. Criteria: Invitae Variant Classification Sherloc (09022015). Collection method: clinical testing. Allele origin: germline.
Comment: In summary, the available evidence is currently insufficient to determine the role of this variant in disease. Therefore, it has been classified as a Variant of Uncertain Significance. Experimental studies and prediction algorithms are not available or were not evaluated, and the functional significance of this variant is currently unknown. This variant has not been reported in the literature in individuals affected with MAGEL2-related conditions. This variant is not present in population databases (gnomAD no frequency). This variant, c.539_568dup, results in the insertion of 10 amino acid(s) of the MAGEL2 protein (p.Val180_Met189dup), but otherwise preserves the integrity of the reading frame.